The following is an entry in ClinVar:

ClinVar aggregate classification (germline): Uncertain significance (1 of 4 stars; one submission).

Allele frequency attached by ClinVar (database versions not stated): ExAC 0.00005.
gnomAD v4.1: 3 of 1,550,012 alleles (0.00019%); highest among the groups gnomAD compares: Middle Eastern, 0.019%; no homozygotes.

Submission:

Labcorp Genetics (formerly Invitae), Labcorp
Classification: Uncertain significance. Last evaluated: 2022-10-26. Review status: criteria provided, single submitter. Criteria: Invitae Variant Classification Sherloc (09022015). Collection method: clinical testing. Allele origin: germline.
Comment: This sequence change replaces glutamic acid, which is acidic and polar, with lysine, which is basic and polar, at codon 457 of the PACS2 protein (p.Glu457Lys). The frequency data for this variant in the population databases is considered unreliable, as metrics indicate poor data quality at this position in the gnomAD database. This variant has not been reported in the literature in individuals affected with PACS2-related conditions. Advanced modeling of protein sequence and biophysical properties (such as structural, functional, and spatial information, amino acid conservation, physicochemical variation, residue mobility, and thermodynamic stability) performed at Invitae indicates that this missense variant is not expected to disrupt PACS2 protein function. In summary, the available evidence is currently insufficient to determine the role of this variant in disease. Therefore, it has been classified as a Variant of Uncertain Significance.

NM_001100913.3(PACS2):c.1369G>A (p.Glu457Lys)

Gene: PACS2 (phosphofurin acidic cluster sorting protein 2; plus strand). Cytogenetic location: 14q32.33.
Variant type: single nucleotide variant.
Coding change: c.1369G>A on transcript NM_001100913.3 (MANE Select); coding-DNA position 1369, G replaced by A.
Protein change: p.Glu457Lys; replaces glutamic acid 457 with lysine.
Molecular consequence: missense variant.
Genome position (GRCh38, 1-based): chr14:105,382,014, G>A. VCF-style: chr14-105382014-G-A. GRCh37 (hg19) VCF-style: chr14-105848351-G-A.
Other names: c.1144G>A, p.Glu382Lys (NM_001243127.3); c.1369G>A, p.Glu457Lys (NM_015197.4); short protein forms E382K, E457K.
Identifiers: ClinVar variation 2053374 (VCV002053374.4), dbSNP rs782260838, ClinGen allele CA7388790.